The following is an entry in ClinVar:

ClinVar aggregate classification (germline): Pathogenic (1 of 4 stars; one submission).

Conditions:
X-linked severe combined immunodeficiency (SCIDX1). Also called: IMMUNODEFICIENCY 4; SCID, X-LINKED; SEVERE COMBINED IMMUNODEFICIENCY, X-LINKED, T CELL-NEGATIVE, B CELL-POSITIVE, NK CELL-NEGATIVE; X-Linked Combined Immunodeficiency Diseases; T-B+ severe combined immunodeficiency due to gamma chain deficiency. Identifiers: Orphanet 276, MedGen C6022468, MONDO:0010315, OMIM 300400. Disease mechanism: loss of function.

Submission:

Labcorp Genetics (formerly Invitae), Labcorp
Classification: Pathogenic for X-linked severe combined immunodeficiency. Last evaluated: 2025-10-07. Review status: criteria provided, single submitter. Criteria: Invitae Variant Classification Sherloc (09022015). Collection method: clinical testing. Allele origin: germline.
Comment: This sequence change creates a premature translational stop signal (p.Tyr125*) in the IL2RG gene. It is expected to result in an absent or disrupted protein product. Loss-of-function variants in IL2RG are known to be pathogenic (PMID: 9058718, 10794430). This variant is not present in population databases (gnomAD no frequency). This variant has not been reported in the literature in individuals affected with IL2RG-related conditions. Algorithms developed to predict the effect of sequence changes on RNA splicing suggest that this variant may disrupt the consensus splice site. For these reasons, this variant has been classified as Pathogenic.

Literature cited by the submitters: PubMed 9058718; PubMed 10794430.

NM_000206.3(IL2RG):c.375C>A (p.Tyr125Ter)

Gene: IL2RG (interleukin 2 receptor subunit gamma; minus strand). Cytogenetic location: Xq13.1.
Variant type: single nucleotide variant.
Coding change: c.375C>A on transcript NM_000206.3 (MANE Select); coding-DNA position 375, C replaced by A.
Protein change: p.Tyr125Ter; replaces tyrosine 125 with a stop codon.
Molecular consequence: nonsense.
Genome position (GRCh38, 1-based): chrX:71,110,583, G>T on the plus strand (C>A on the coding strand, the complement: IL2RG is on the minus strand). VCF-style: chrX-71110583-G-T. GRCh37 (hg19) VCF-style: chrX-70330433-G-T.
Other names: c.375C>A, p.Tyr125Ter (NM_001438870.1); short protein forms Y125*.
Identifiers: ClinVar variation 4774664 (VCV004774664.1).